The following is an entry in ClinVar:

NM_004826.4(ECEL1):c.2320G>A (p.Val774Met)

Gene: ECEL1 (endothelin converting enzyme like 1; minus strand). Cytogenetic location: 2q37.1.
Variant type: single nucleotide variant.
Coding change: c.2320G>A on transcript NM_004826.4 (MANE Select); coding-DNA position 2320, G replaced by A.
Protein change: p.Val774Met; replaces valine 774 with methionine.
Molecular consequence: missense variant.
Genome position (GRCh38, 1-based): chr2:232,480,161, C>T on the plus strand (G>A on the coding strand, the complement: ECEL1 is on the minus strand). VCF-style: chr2-232480161-C-T. GRCh37 (hg19) VCF-style: chr2-233344871-C-T.
Other names: c.2314G>A, p.Val772Met (NM_001290787.2); short protein forms V774M, V772M.
Identifiers: ClinVar variation 2256361 (VCV002256361.7), dbSNP rs149447864, ClinGen allele CA2166842.
Genomic context (GRCh38, chr2:232,480,161, plus strand): 5'-CAGGAGGTGATTCGTGCGGGGGCAGTGGGGGCGTGCAGGCGGGCAGCCAGGCTCACCACA[C>T]GGAACACTTGTGGGCAGGGTTCATGGGTGAGTCCTTGGGACAGTGGAAAGCCCGGCCAAA-3'
Protein context (NP_004817.2, residues 764-775): SPMNPAHKCS[Val774Met]W

ClinVar aggregate classification (germline): Uncertain significance. Review status: criteria provided, multiple submitters, no conflicts (2 of 4 stars). 4 submissions from 4 submitters: Uncertain significance (4). Last evaluated 2024-09-07.

Conditions:
Distal arthrogryposis type 5D (DA5D). Identifiers: Orphanet 329457, MedGen C3554415, MONDO:0014028, OMIM 615065.
Inborn genetic diseases. Identifiers: MedGen C0950123, MeSH D030342.

Allele frequency attached by ClinVar (database versions not stated): ExAC 0.00013; gnomAD exomes 0.00013; gnomAD 0.00016; TOPMed 0.00022; ESP Exome Variant Server 0.00023.
gnomAD v4.1: 213 of 1,613,530 alleles (0.013%); highest among the groups gnomAD compares: African/African-American, 0.02%; no homozygotes.

Submissions (4):

Blueprint Genetics
Classification: Uncertain significance. Last evaluated: 2024-09-07. Review status: criteria provided, single submitter. Criteria: ACMG Guidelines, 2015. Collection method: clinical testing. Allele origin: germline.

GeneDx
Classification: Uncertain significance. Last evaluated: 2024-05-06. Review status: criteria provided, single submitter. Criteria: GeneDx Variant Classification Process June 2021. Collection method: clinical testing. Allele origin: germline. Affected: yes.
Comment: In silico analysis supports that this missense variant has a deleterious effect on protein structure/function; Has not been previously published as pathogenic or benign to our knowledge

Ambry Genetics
Classification: Uncertain significance for Inborn genetic diseases. Last evaluated: 2023-12-09. Review status: criteria provided, single submitter. Criteria: Ambry Variant Classification Scheme 2023. Collection method: clinical testing. Allele origin: germline.

Revvity Omics, Revvity
Classification: Uncertain significance for Distal arthrogryposis type 5D. Last evaluated: 2019-07-16. Review status: criteria provided, single submitter. Criteria: ACMG Guidelines, 2015. Collection method: clinical testing. Allele origin: germline.